The following is an entry in ClinVar:

ClinVar aggregate classification (germline): Uncertain significance (1 of 4 stars; one submission).

gnomAD v4.1: 5 of 1,303,962 alleles (0.00038%); highest among the groups gnomAD compares: Middle Eastern, 0.029%; no homozygotes.

Submission:

Labcorp Genetics (formerly Invitae), Labcorp
Classification: Uncertain significance. Last evaluated: 2025-04-09. Review status: criteria provided, single submitter. Criteria: Invitae Variant Classification Sherloc (09022015). Collection method: clinical testing. Allele origin: germline.
Comment: This sequence change replaces glutamine, which is neutral and polar, with histidine, which is basic and polar, at codon 98 of the IRF2BP2 protein (p.Gln98His). This variant is not present in population databases (gnomAD no frequency). This variant has not been reported in the literature in individuals affected with IRF2BP2-related conditions. An algorithm developed to predict the effect of missense changes on protein structure and function (PolyPhen-2) suggests that this variant is likely to be disruptive. In summary, the available evidence is currently insufficient to determine the role of this variant in disease. Therefore, it has been classified as a Variant of Uncertain Significance.

NM_182972.3(IRF2BP2):c.294G>C (p.Gln98His)

Genes: IRF2BP2 (interferon regulatory factor 2 binding protein 2; minus strand), LOC129932812 (ATAC-STARR-seq lymphoblastoid silent region 1977; plus strand). Cytogenetic location: 1q42.3.
Variant type: single nucleotide variant.
Coding change: c.294G>C on transcript NM_182972.3 (MANE Select); coding-DNA position 294, G replaced by C.
Protein change: p.Gln98His; replaces glutamine 98 with histidine.
Molecular consequence: missense variant.
Genome position (GRCh38, 1-based): chr1:234,609,201, C>G on the plus strand (G>C on the coding strand, the complement: IRF2BP2 is on the minus strand). VCF-style: chr1-234609201-C-G. GRCh37 (hg19) VCF-style: chr1-234744947-C-G.
Other names: c.294G>C, p.Gln98His (NM_001077397.1); short protein forms Q98H.
Identifiers: ClinVar variation 4690516 (VCV004690516.1).